The following is an entry in ClinVar:

NM_001297.5(CNGB1):c.1535+1G>A

Gene: CNGB1 (cyclic nucleotide gated channel subunit beta 1; minus strand). Cytogenetic location: 16q21.
Variant type: single nucleotide variant.
Coding change: c.1535+1G>A on transcript NM_001297.5 (MANE Select); the canonical splice donor site of the intron after coding-DNA position 1535, G replaced by A.
Molecular consequence: splice donor variant.
Genome position (GRCh38, 1-based): chr16:57,931,715, C>T on the plus strand (G>A on the coding strand, the complement: CNGB1 is on the minus strand). VCF-style: chr16-57931715-C-T. GRCh37 (hg19) VCF-style: chr16-57965619-C-T.
Other names: c.1517+1G>A (NM_001286130.2).
Identifiers: ClinVar variation 4735973 (VCV004735973.1).

ClinVar aggregate classification (germline): Likely pathogenic (1 of 4 stars; one submission).

Submission:

Labcorp Genetics (formerly Invitae), Labcorp
Classification: Likely pathogenic. Last evaluated: 2026-01-21. Review status: criteria provided, single submitter. Criteria: Invitae Variant Classification Sherloc (09022015). Collection method: clinical testing. Allele origin: germline.
Comment: This sequence change affects a donor splice site in intron 17 of the CNGB1 gene. It is expected to disrupt RNA splicing. Variants that disrupt the donor or acceptor splice site typically lead to a loss of protein function (PMID: 16199547), and loss-of-function variants in CNGB1 are known to be pathogenic (PMID: 15557452, 24043777). This variant is not present in population databases (gnomAD no frequency). This variant has not been reported in the literature in individuals affected with CNGB1-related conditions. Algorithms developed to predict the effect of sequence changes on RNA splicing suggest that this variant may disrupt the consensus splice site. In summary, the currently available evidence indicates that the variant is pathogenic, but additional data are needed to prove that conclusively. Therefore, this variant has been classified as Likely Pathogenic.

Literature cited by the submitters: PubMed 16199547; PubMed 15557452; PubMed 24043777.